The following is an entry in ClinVar:

ClinVar aggregate classification (germline): Uncertain significance (1 of 4 stars; one submission).

Conditions:
Peutz-Jeghers syndrome (PJS). Also called: Peutz-Jeghers polyposis; Periorificial lentiginosis syndrome; POLYPOSIS, HAMARTOMATOUS INTESTINAL; POLYPS-AND-SPOTS SYNDROME. Identifiers: Orphanet 2869, MedGen C0031269, MeSH D010580, MONDO:0008280, OMIM 175200.

Submission:

Labcorp Genetics (formerly Invitae), Labcorp
Classification: Uncertain significance for Peutz-Jeghers syndrome. Last evaluated: 2023-12-12. Review status: criteria provided, single submitter. Criteria: Invitae Variant Classification Sherloc (09022015). Collection method: clinical testing. Allele origin: germline.
Comment: This sequence change replaces glutamine, which is neutral and polar, with arginine, which is basic and polar, at codon 399 of the STK11 protein (p.Gln399Arg). This variant is not present in population databases (gnomAD no frequency). This variant has not been reported in the literature in individuals affected with STK11-related conditions. Advanced modeling of protein sequence and biophysical properties (such as structural, functional, and spatial information, amino acid conservation, physicochemical variation, residue mobility, and thermodynamic stability) performed at Invitae indicates that this missense variant is not expected to disrupt STK11 protein function with a negative predictive value of 95%. In summary, the available evidence is currently insufficient to determine the role of this variant in disease. Therefore, it has been classified as a Variant of Uncertain Significance.

NM_000455.5(STK11):c.1196A>G (p.Gln399Arg)

Gene: STK11 (serine/threonine kinase 11; plus strand). Cytogenetic location: 19p13.3.
Variant type: single nucleotide variant.
Coding change: c.1196A>G on transcript NM_000455.5 (MANE Select); coding-DNA position 1196, A replaced by G.
Protein change: p.Gln399Arg; replaces glutamine 399 with arginine.
Molecular consequence: missense variant. On other transcripts: non-coding transcript variant (1).
Genome position (GRCh38, 1-based): chr19:1,226,541, A>G. VCF-style: chr19-1226541-A-G. GRCh37 (hg19) VCF-style: chr19-1226540-A-G.
Other names: short protein forms Q399R.
Identifiers: ClinVar variation 2702387 (VCV002702387.3), dbSNP rs2145436171, ClinGen allele CA402953655.